The following is an entry in ClinVar:

ClinVar aggregate classification (germline): Uncertain significance (1 of 4 stars; one submission).

Conditions:
Peroxisome biogenesis disorder. Identifiers: Orphanet 79189, MedGen C1832200, MONDO:0019234. Disease mechanism: loss of function.

Allele frequency attached by ClinVar (database versions not stated): TOPMed below 0.00001; gnomAD 0.00001; gnomAD exomes 0.00001 and 0.00004; ExAC 0.00002; ESP Exome Variant Server 0.00008.
gnomAD v4.1: 58 of 1,613,886 alleles (0.0036%); highest among the groups gnomAD compares: Non-Finnish European, 0.0045%; no homozygotes.

Submission:

Labcorp Genetics (formerly Invitae), Labcorp
Classification: Uncertain significance for Peroxisome biogenesis disorder. Last evaluated: 2022-10-25. Review status: criteria provided, single submitter. Criteria: Invitae Variant Classification Sherloc (09022015). Collection method: clinical testing. Allele origin: germline.
Comment: This sequence change replaces glutamic acid, which is acidic and polar, with lysine, which is basic and polar, at codon 68 of the PEX16 protein (p.Glu68Lys). This variant is present in population databases (rs374895823, gnomAD 0.007%). This variant has not been reported in the literature in individuals affected with PEX16-related conditions. ClinVar contains an entry for this variant (Variation ID: 1488379). Advanced modeling of protein sequence and biophysical properties (such as structural, functional, and spatial information, amino acid conservation, physicochemical variation, residue mobility, and thermodynamic stability) performed at Invitae indicates that this missense variant is not expected to disrupt PEX16 protein function. In summary, the available evidence is currently insufficient to determine the role of this variant in disease. Therefore, it has been classified as a Variant of Uncertain Significance.

NM_004813.4(PEX16):c.202G>A (p.Glu68Lys)

Gene: PEX16 (peroxisomal biogenesis factor 16; minus strand). Cytogenetic location: 11p11.2.
Variant type: single nucleotide variant.
Coding change: c.202G>A on transcript NM_004813.4 (MANE Select); coding-DNA position 202, G replaced by A.
Protein change: p.Glu68Lys; replaces glutamic acid 68 with lysine.
Molecular consequence: missense variant.
Genome position (GRCh38, 1-based): chr11:45,916,250, C>T on the plus strand (G>A on the coding strand, the complement: PEX16 is on the minus strand). VCF-style: chr11-45916250-C-T. GRCh37 (hg19) VCF-style: chr11-45937801-C-T.
Other names: c.202G>A, p.Glu68Lys (NM_057174.3); short protein forms E68K.
Identifiers: ClinVar variation 1488379 (VCV001488379.3), dbSNP rs374895823, ClinGen allele CA5960063.